The following is an entry in ClinVar:

NM_178822.5(IGSF10):c.3972C>T (p.Thr1324=)

Gene: IGSF10 (immunoglobulin superfamily member 10; minus strand). Cytogenetic location: 3q25.1.
Variant type: single nucleotide variant.
Coding change: c.3972C>T on transcript NM_178822.5 (MANE Select); coding-DNA position 3972, C replaced by T.
Protein change: p.Thr1324=; no amino-acid change (threonine 1324 retained).
Molecular consequence: synonymous variant.
Genome position (GRCh38, 1-based): chr3:151,446,009, G>A on the plus strand (C>T on the coding strand, the complement: IGSF10 is on the minus strand). VCF-style: chr3-151446009-G-A. GRCh37 (hg19) VCF-style: chr3-151163797-G-A.
Other names: c.3972C>T, p.Thr1324= (NM_001385063.1, NM_001385060.1, NM_001385061.1 and 1 more transcripts); c.3972C>T (NM_178822.4).
Identifiers: ClinVar variation 2713286 (VCV002713286.5), dbSNP rs371517146, ClinGen allele CA2670053.

ClinVar aggregate classification (germline): Likely benign. Review status: criteria provided, single submitter (1 of 4 stars). 2 submissions from 2 submitters: Likely benign (1). 1 of the submissions does not count toward it. Last evaluated 2025-11-22.

Conditions:
IGSF10-related disorder. Also called: IGSF10-related condition.

Allele frequency attached by ClinVar (database versions not stated): gnomAD 0.00013; TOPMed 0.00014; ESP Exome Variant Server 0.00015; gnomAD exomes 0.00015; 1000 Genomes Project 30x 0.00016; 1000 Genomes Project 0.00020; ExAC 0.00028.
gnomAD v4.1: 246 of 1,614,160 alleles (0.015%); highest among the groups gnomAD compares: Middle Eastern, 0.28%; no homozygotes.

Submissions (2):

Labcorp Genetics (formerly Invitae), Labcorp
Classification: Likely benign. Last evaluated: 2025-11-22. Review status: criteria provided, single submitter. Criteria: Invitae Variant Classification Sherloc (09022015). Collection method: clinical testing. Allele origin: germline.

PreventionGenetics, part of Exact Sciences
Classification: Likely benign for IGSF10-related condition. Last evaluated: 2019-09-17. Review status: no assertion criteria provided. Collection method: clinical testing. Allele origin: germline. Not counted in ClinVar's aggregate classification.
Comment: This variant is classified as likely benign based on ACMG/AMP sequence variant interpretation guidelines (Richards et al. 2015 PMID: 25741868, with internal and published modifications).